The following is an entry in ClinVar:

NM_080680.3(COL11A2):c.1892G>A (p.Gly631Asp)

Gene: COL11A2 (collagen type XI alpha 2 chain; minus strand). Cytogenetic location: 6p21.32.
Variant type: single nucleotide variant.
Coding change: c.1892G>A on transcript NM_080680.3 (MANE Select); coding-DNA position 1892, G replaced by A.
Protein change: p.Gly631Asp; replaces glycine 631 with aspartic acid.
Molecular consequence: missense variant.
Genome position (GRCh38, 1-based): chr6:33,177,687, C>T on the plus strand (G>A on the coding strand, the complement: COL11A2 is on the minus strand). VCF-style: chr6-33177687-C-T. GRCh37 (hg19) VCF-style: chr6-33145464-C-T.
Other names: c.866G>A, p.Gly289Asp (NM_001424110.1, NM_001424111.1); c.1571G>A, p.Gly524Asp (NM_080679.3); c.1634G>A, p.Gly545Asp (NM_080681.3); c.1046G>A, p.Gly349Asp (NM_001424109.1); c.1712G>A, p.Gly571Asp (NM_001424108.1); short protein forms G289D, G349D, G524D, G545D, G571D, G631D.
Identifiers: ClinVar variation 4687166 (VCV004687166.1).

ClinVar aggregate classification (germline): Uncertain significance (1 of 4 stars; one submission).

Submission:

Women's Health and Genetics/Laboratory Corporation of America, LabCorp
Classification: Uncertain significance. Last evaluated: 2025-10-30. Review status: criteria provided, single submitter. Criteria: LabCorp Variant Classification Summary - May 2015. Collection method: clinical testing. Allele origin: germline.
Comment: Variant summary: COL11A2 c.1892G>A (p.Gly631Asp) results in a non-conservative amino acid change in the encoded protein sequence. Algorithms developed to predict the effect of missense changes on protein structure and function are either unavailable or do not agree on the potential impact of this missense change. The variant was absent in 246386 control chromosomes. The available data on variant occurrences in the general population are insufficient to allow any conclusion about variant significance. To our knowledge, no occurrence of c.1892G>A in individuals affected with COL11A2-related conditions and no experimental evidence demonstrating its impact on protein function have been reported. No submitters have cited clinical-significance assessments for this variant to ClinVar. Based on the evidence outlined above, the variant was classified as uncertain significance.